The following is an entry in ClinVar:

ClinVar aggregate classification (germline): Conflicting classifications of pathogenicity. Review status: criteria provided, conflicting classifications (1 of 4 stars). 7 submissions from 7 submitters: Uncertain significance (2); Likely benign (3). 2 of the submissions do not count toward it. Last evaluated 2026-01-20.

Conditions:
NPC1-related disorder. Also called: NPC1-related condition.
Inborn genetic diseases. Identifiers: MedGen C0950123, MeSH D030342.
Niemann-Pick disease, type C1. Also called: NIEMANN-PICK DISEASE WITHOUT SPHINGOMYELINASE DEFICIENCY; NIEMANN-PICK DISEASE, CHRONIC NEURONOPATHIC FORM; NEUROVISCERAL STORAGE DISEASE WITH VERTICAL SUPRANUCLEAR OPHTHALMOPLEGIA; NIEMANN-PICK DISEASE WITH CHOLESTEROL ESTERIFICATION BLOCK; NIEMANN-PICK DISEASE, VARIANT TYPE C1. Identifiers: Orphanet 646, MedGen C3179455, MONDO:0009757, OMIM 257220.

Allele frequency attached by ClinVar (database versions not stated): gnomAD 0.00011 and 0.00014; ExAC 0.00012; gnomAD exomes 0.00015; TOPMed 0.00018; ESP Exome Variant Server 0.00031.
gnomAD v4.1: 309 of 1,614,032 alleles (0.019%); highest among the groups gnomAD compares: East Asian, 0.076%; no homozygotes.

Submissions (7):

Labcorp Genetics (formerly Invitae), Labcorp
Classification: Likely benign for Niemann-Pick disease, type C1. Last evaluated: 2026-01-20. Review status: criteria provided, single submitter. Criteria: Invitae Variant Classification Sherloc (09022015). Collection method: clinical testing. Allele origin: germline.

Ambry Genetics
Classification: Likely benign for Inborn genetic diseases. Last evaluated: 2023-06-05. Review status: criteria provided, single submitter. Criteria: Ambry Variant Classification Scheme 2023. Collection method: clinical testing. Allele origin: germline.

CeGaT Center for Human Genetics Tuebingen
Classification: Likely benign. Last evaluated: 2023-05-01. Review status: criteria provided, single submitter. Criteria: CeGaT Center For Human Genetics Tuebingen Variant Classification Criteria Version 2. Collection method: clinical testing. Allele origin: germline. Affected: yes. Observed: 1 variant allele.
Comment: NPC1: BP4, BP7

Illumina Laboratory Services, Illumina
Classification: Uncertain significance for Niemann-Pick disease type C1. Last evaluated: 2018-01-12. Review status: criteria provided, single submitter. Criteria: ICSL Variant Classification Criteria 13 December 2019. Collection method: clinical testing. Allele origin: germline.

Eurofins Ntd Llc (ga)
Classification: Uncertain significance. Last evaluated: 2017-01-27. Review status: criteria provided, single submitter. Criteria: EGL Classification Definitions 2015. Collection method: clinical testing. Allele origin: germline. Observed: 1 variant allele, 1 heterozygote.

PreventionGenetics, part of Exact Sciences
Classification: Likely benign for NPC1-related condition. Last evaluated: 2021-06-18. Review status: no assertion criteria provided. Collection method: clinical testing. Allele origin: germline. Not counted in ClinVar's aggregate classification.
Comment: This variant is classified as likely benign based on ACMG/AMP sequence variant interpretation guidelines (Richards et al. 2015 PMID: 25741868, with internal and published modifications).

Natera, Inc.
Classification: Likely benign for Niemann-Pick disease type C1. Last evaluated: 2021-01-07. Review status: no assertion criteria provided. Collection method: clinical testing. Allele origin: germline. Not counted in ClinVar's aggregate classification.

NM_000271.5(NPC1):c.1431G>A (p.Thr477=)

Gene: NPC1 (NPC intracellular cholesterol transporter 1; minus strand). Cytogenetic location: 18q11.2.
Variant type: single nucleotide variant.
Coding change: c.1431G>A on transcript NM_000271.5 (MANE Select); coding-DNA position 1431, G replaced by A.
Protein change: p.Thr477=; no amino-acid change (threonine 477 retained).
Molecular consequence: synonymous variant.
Genome position (GRCh38, 1-based): chr18:23,554,880, C>T on the plus strand (G>A on the coding strand, the complement: NPC1 is on the minus strand). VCF-style: chr18-23554880-C-T. GRCh37 (hg19) VCF-style: chr18-21134844-C-T.
Identifiers: ClinVar variation 500155 (VCV000500155.49), dbSNP rs375307057, ClinGen allele CA8913465.